The following is an entry in ClinVar:

NM_000311.5(PRNP):c.654C>G (p.Tyr218Ter)

Gene: PRNP (prion protein (Kanno blood group); plus strand). Cytogenetic location: 20p13.
Variant type: single nucleotide variant.
Coding change: c.654C>G on transcript NM_000311.5 (MANE Select); coding-DNA position 654, C replaced by G.
Protein change: p.Tyr218Ter; replaces tyrosine 218 with a stop codon.
Molecular consequence: nonsense. On other transcripts: 3 prime UTR variant (1).
Genome position (GRCh38, 1-based): chr20:4,699,874, C>G. VCF-style: chr20-4699874-C-G. GRCh37 (hg19) VCF-style: chr20-4680520-C-G.
Other names: c.654C>G, p.Tyr218Ter (NM_001080121.3, NM_001080122.3, NM_001080123.3 and 1 more transcripts); c.*343C>G (NM_001271561.3); short protein forms Y218*.
Identifiers: ClinVar variation 2820202 (VCV002820202.3), dbSNP rs375057882, ClinGen allele CA408152831.
Genomic context (GRCh38, chr20:4,699,874, plus strand): 5'-CACCGAGACCGACGTTAAGATGATGGAGCGCGTGGTTGAGCAGATGTGTATCACCCAGTA[C>G]GAGAGGGAATCTCAGGCCTATTACCAGAGAGGATCGAGCATGGTCCTCTTCTCCTCTCCA-3'

ClinVar aggregate classification (germline): Uncertain significance (1 of 4 stars; one submission).

Conditions:
Huntington disease-like 1 (HDL1). Also called: PRION DISEASE, EARLY-ONSET, WITH PROMINENT PSYCHIATRIC FEATURES; HUNTINGTON-LIKE NEURODEGENERATIVE DISORDER 1; HUNTINGTON-LIKE NEURODEGENERATIVE DISORDER, AUTOSOMAL DOMINANT. Identifiers: Orphanet 157941, MedGen C1864112, MONDO:0011299, OMIM 603218.

Submission:

Labcorp Genetics (formerly Invitae), Labcorp
Classification: Uncertain significance for Huntington disease-like 1. Last evaluated: 2022-12-12. Review status: criteria provided, single submitter. Criteria: Invitae Variant Classification Sherloc (09022015). Collection method: clinical testing. Allele origin: germline.
Comment: This variant is not present in population databases (gnomAD no frequency). This sequence change creates a premature translational stop signal (p.Tyr218*) in the PRNP gene. While this is not anticipated to result in nonsense mediated decay, it is expected to disrupt the last 36 amino acid(s) of the PRNP protein. This variant has not been reported in the literature in individuals affected with PRNP-related conditions. In summary, the available evidence is currently insufficient to determine the role of this variant in disease. Therefore, it has been classified as a Variant of Uncertain Significance. Experimental studies and prediction algorithms are not available or were not evaluated, and the functional significance of this variant is currently unknown.